The following is an entry in ClinVar:

NM_017849.4(TMEM127):c.245-15G>C

Gene: TMEM127 (transmembrane protein 127; minus strand). Cytogenetic location: 2q11.2.
Variant type: single nucleotide variant.
Coding change: c.245-15G>C on transcript NM_017849.4 (MANE Select); 15 bases into the intron before coding-DNA position 245, G replaced by C.
Molecular consequence: intron variant.
Genome position (GRCh38, 1-based): chr2:96,255,012, C>G on the plus strand (G>C on the coding strand, the complement: TMEM127 is on the minus strand). VCF-style: chr2-96255012-C-G. GRCh37 (hg19) VCF-style: chr2-96920750-C-G.
Other names: c.245-15G>C (NM_001193304.3).
Identifiers: ClinVar variation 2150978 (VCV002150978.5), dbSNP rs760161880, ClinGen allele CA534371019.

ClinVar aggregate classification (germline): Likely benign. Review status: criteria provided, multiple submitters, no conflicts (2 of 4 stars). 2 submissions from 2 submitters: Likely benign (2). Last evaluated 2026-07-28.

Conditions:
Hereditary pheochromocytoma and paraganglioma. Also called: Hereditary pheochromocytoma-paraganglioma; Hereditary paragangliomas and pheochromocytomas; Hereditary Paraganglioma-Pheochromocytoma Syndromes. Identifiers: Orphanet 29072, MedGen C4274332, MONDO:0017366.

Allele frequency attached by ClinVar (database versions not stated): TOPMed 0.00001.
gnomAD v4.1: 4 of 1,614,028 alleles (0.00025%); highest among the groups gnomAD compares: Non-Finnish European, 0.00034%; no homozygotes.

Submissions (2):

Myriad Genetics, Inc.
Classification: Likely benign for Hereditary pheochromocytoma and paraganglioma. Last evaluated: 2026-07-28. Review status: criteria provided, single submitter. Criteria: Myriad Autosomal Dominant, Autosomal Recessive and X-Linked Classification Criteria (2023). Collection method: clinical testing. Allele origin: unknown.
Comment: This variant is considered likely benign. This variant is intronic and is not expected to impact mRNA splicing.

Labcorp Genetics (formerly Invitae), Labcorp
Classification: Likely benign for Hereditary pheochromocytoma and paraganglioma. Last evaluated: 2024-11-12. Review status: criteria provided, single submitter. Criteria: Invitae Variant Classification Sherloc (09022015). Collection method: clinical testing. Allele origin: germline.